The following is an entry in ClinVar:

NM_001267550.2(TTN):c.32655G>T (p.Met10885Ile)

Gene: TTN (titin; minus strand). Cytogenetic location: 2q31.2.
Variant type: single nucleotide variant.
Coding change: c.32655G>T on transcript NM_001267550.2 (MANE Select); coding-DNA position 32655, G replaced by T.
Protein change: p.Met10885Ile; replaces methionine 10885 with isoleucine.
Molecular consequence: missense variant. On other transcripts: intron variant (3).
Genome position (GRCh38, 1-based): chr2:178,684,397, C>A on the plus strand (G>T on the coding strand, the complement: TTN is on the minus strand). VCF-style: chr2-178684397-C-A. GRCh37 (hg19) VCF-style: chr2-179549124-C-A.
Other names: c.31704G>T, p.Met10568Ile (NM_001256850.1); c.28923G>T, p.Met9641Ile (NM_133378.4); c.13283-42080G>T (NM_003319.4); c.13859-42080G>T (NM_133437.4); c.13658-42080G>T (NM_133432.3); short protein forms M10568I, M10885I, M9641I.
Identifiers: ClinVar variation 3058752 (VCV003058752.3), dbSNP rs2474151585, ClinGen allele CA349546385.
Genomic context (GRCh38, chr2:178,684,397, plus strand): 5'-TTTTGGAGGCGCCTCTTTTTTAGTTACAGCAACAAGAACTTTTTCTTCCTGGGTAATTTG[C>A]ATGTGCCTCTCAGTCACTTAAAAGATAATTTTAGGATTAGGGAGTTATATCAAAGTGGAC-3'
Protein context (NP_001254479.2, residues 10875-10895): PLPAKVTERH[Met10885Ile]QITQEEKVLV

ClinVar aggregate classification (germline): Likely benign. Review status: criteria provided, single submitter (1 of 4 stars). 2 submissions from 2 submitters: Likely benign (1). 1 of the submissions does not count toward it. Last evaluated 2026-03-27.

Conditions:
TTN-related disorder. Also called: TTN-related disorders; TTN-related condition; TTN-related disease.

Allele frequency attached by ClinVar (database versions not stated): gnomAD exomes below 0.00001.

Submissions (2):

Molecular Diagnostic Laboratory for Inherited Cardiovascular Disease, Montreal Heart Institute
Classification: Likely benign. Last evaluated: 2026-03-27. Review status: criteria provided, single submitter. Criteria: ACMG Guidelines, 2015. Collection method: clinical testing. Allele origin: germline. Affected: no.
Comment: BP1

PreventionGenetics, part of Exact Sciences
Classification: Uncertain significance for TTN-related condition. Last evaluated: 2023-12-27. Review status: no assertion criteria provided. Collection method: clinical testing. Allele origin: germline. Not counted in ClinVar's aggregate classification.
Comment: The TTN c.32655G>T variant is predicted to result in the amino acid substitution p.Met10885Ile. To our knowledge, this variant has not been reported in the literature or in a large population database, indicating this variant is rare. At this time, the clinical significance of this variant is uncertain due to the absence of conclusive functional and genetic evidence.